The following is an entry in ClinVar:

ClinVar aggregate classification (germline): Benign (1 of 4 stars; one submission).

Allele frequency attached by ClinVar (database versions not stated): 1000 Genomes Project 30x 0.00281; TOPMed 0.00352; gnomAD 0.00374 and 0.00403; 1000 Genomes Project 0.00280; gnomAD exomes 0.00493.
gnomAD v4.1: 1,832 of 396,836 alleles (0.46%); highest among the groups gnomAD compares: South Asian, 1.2%; 6 homozygotes.

Submission:

CeGaT Center for Human Genetics Tuebingen
Classification: Benign. Last evaluated: 2026-09-01. Review status: criteria provided, single submitter. Criteria: CeGaT Center For Human Genetics Tuebingen Variant Classification Criteria Version 2. Collection method: clinical testing. Allele origin: germline. Affected: yes. Observed: 30 variant alleles.
Comment: KCNQ1OT1: BS1, BS2; KCNQ1: BS1, BS2

NM_000218.3(KCNQ1):c.1393+32039G>A

Genes: KCNQ1 (potassium voltage-gated channel subfamily Q member 1; plus strand), KCNQ1OT1 (KCNQ1 opposite strand/antisense transcript 1; minus strand). Cytogenetic location: 11p15.5.
Variant type: single nucleotide variant.
Coding change: c.1393+32039G>A on transcript NM_000218.3 (MANE Select); 32039 bases into the intron after coding-DNA position 1393, G replaced by A.
Molecular consequence: intron variant.
Genome position (GRCh38, 1-based): chr11:2,620,893, G>A. VCF-style: chr11-2620893-G-A. GRCh37 (hg19) VCF-style: chr11-2642123-G-A.
Other names: c.1123+32039G>A (NM_001406837.1); c.1297+32039G>A (NM_001406836.1); c.853+32039G>A (NM_001406838.1); c.1012+32039G>A (NM_181798.2).
Identifiers: ClinVar variation 1694594 (VCV001694594.31), dbSNP rs191050231, ClinGen allele CA216362317.